The following is an entry in ClinVar:

GRCh38/hg38 17q11.2(chr17:29461486-29495582)x1

Gene: TAOK1 (TAO kinase 1; plus strand). Cytogenetic location: 17q11.2.
Variant type: copy number loss.
Change: copy number 1 (one copy instead of two) of chr17:29,461,486-29,495,582 (34.1 kb, GRCh38 coordinates, 1-based), cytogenetic band 17q11.2.
Identifiers: ClinVar variation 2579186 (VCV002579186.1).

ClinVar aggregate classification (germline): Pathogenic (1 of 4 stars; one submission).

Conditions:
Developmental delay with or without intellectual impairment or behavioral abnormalities. Identifiers: MedGen C5562004, MONDO:0859199, OMIM 619575.

Submission:

Broad Center for Mendelian Genomics, Broad Institute of MIT and Harvard
Classification: Pathogenic for Developmental delay with or without intellectual impairment or behavioral abnormalities. Last evaluated: 2023-08-24. Review status: criteria provided, single submitter. Criteria: ACMG/ClinGen CNV Guidelines, 2019. Collection method: research. Allele origin: de novo. Inheritance: Autosomal dominant inheritance. Affected: yes.
Comment: A confirmed de novo heterozygous deletion of exons 3-10 in TAOK1 (NM_020791.4) was identified by exome sequencing and confirmed by targeted chromosomal microarray of the TAOK1 gene in one individual with severe hypotonia and intellectual disability ([GRCh38] chr17:29461486_29495582x1)(PMID: 34740920). The patient phenotype is nonspecific, but is consistent with cases described in the literature and/or published databases with overlapping variants. This intragenic variant is predicted to cause a frameshift, which alters the protein’s amino acid sequence beginning at exon 3 and leads to a premature termination codon. This alteration is then predicted to lead to a truncated or absent. The TAOK1 gene is known to be haploinsufficient, and has been assessed by the ClinGen Dosage Sensitivity Working Group. In summary, this variant meets criteria to be classified as pathogenic for autosomal dominant syndromic intellectual disability. The ACMG/ClinGen evidence codes and points used in this curation are as follows: 1: 0 points, 2: 0.90 points, 3: 0 points, 4-5: 0.15 points; Total: 1.05 points; Riggs 2020 (PMID: 31690835).

Literature cited by the submitters: PubMed 34740920.